The following is an entry in ClinVar:

NM_006545.5(NPRL2):c.928G>C (p.Glu310Gln)

Gene: NPRL2 (NPR2 like, GATOR1 complex subunit; minus strand). Cytogenetic location: 3p21.31.
Variant type: single nucleotide variant.
Coding change: c.928G>C on transcript NM_006545.5 (MANE Select); coding-DNA position 928, G replaced by C.
Protein change: p.Glu310Gln; replaces glutamic acid 310 with glutamine.
Molecular consequence: missense variant.
Genome position (GRCh38, 1-based): chr3:50,348,128, C>G on the plus strand (G>C on the coding strand, the complement: NPRL2 is on the minus strand). VCF-style: chr3-50348128-C-G. GRCh37 (hg19) VCF-style: chr3-50385559-C-G.
Other names: short protein forms E310Q.
Identifiers: ClinVar variation 4626374 (VCV004626374.1).

ClinVar aggregate classification (germline): Uncertain significance (1 of 4 stars; one submission).

Conditions:
Inborn genetic diseases. Identifiers: MedGen C0950123, MeSH D030342.

gnomAD v4.1: 19 of 1,613,980 alleles (0.0012%); highest among the groups gnomAD compares: Non-Finnish European, 0.0016%; no homozygotes.

Submission:

Ambry Genetics
Classification: Uncertain significance for Inborn genetic diseases. Last evaluated: 2025-11-12. Review status: criteria provided, single submitter. Criteria: Ambry Variant Classification Scheme 2023. Collection method: clinical testing. Allele origin: germline.
Comment: The c.928G>C (p.E310Q) alteration is located in exon 9 (coding exon 9) of the NPRL2 gene. This alteration results from a G to C substitution at nucleotide position 928, causing the glutamic acid (E) at amino acid position 310 to be replaced by a glutamine (Q). Based on data from gnomAD, the C allele has an overall frequency of <0.001% (1/251202) total alleles studied. The highest observed frequency was 0.001% (1/113536) of European (non-Finnish) alleles. Based on insufficient or conflicting evidence, the clinical significance of this alteration remains unclear.